The following is an entry in ClinVar:

NM_152564.5(VPS13B):c.2617A>G (p.Met873Val)

Gene: VPS13B (vacuolar protein sorting 13 homolog B; plus strand). Cytogenetic location: 8q22.2.
Variant type: single nucleotide variant.
Coding change: c.2617A>G on transcript NM_152564.5 (MANE Select); coding-DNA position 2617, A replaced by G.
Protein change: p.Met873Val; replaces methionine 873 with valine.
Molecular consequence: missense variant.
Genome position (GRCh38, 1-based): chr8:99,274,299, A>G. VCF-style: chr8-99274299-A-G. GRCh37 (hg19) VCF-style: chr8-100286527-A-G.
Other names: c.2617A>G (NM_017890.3, NM_152564.4); c.2617A>G, p.Met873Val (NM_017890.5); short protein forms M873V.
Identifiers: ClinVar variation 585716 (VCV000585716.12), dbSNP rs745651556, ClinGen allele CA4822966.

ClinVar aggregate classification (germline): Conflicting classifications of pathogenicity. Review status: criteria provided, conflicting classifications (1 of 4 stars). 5 submissions from 5 submitters: Uncertain significance (3); Likely benign (1). 1 of the submissions does not count toward it. Last evaluated 2026-06-29.

Conditions:
Cohen syndrome (COH1). Also called: PEPPER SYNDROME; Cutis verticis gyrata, retinitis pigmentosa, and sensorineural deafness. Identifiers: Orphanet 193, MedGen C0265223, MONDO:0008999, OMIM 216550.
Inborn genetic diseases. Identifiers: MedGen C0950123, MeSH D030342.
VPS13B-related disorder. Also called: VPS13B-related condition.

Allele frequency attached by ClinVar (database versions not stated): gnomAD exomes 0.00001 and 0.00002; ExAC 0.00002; gnomAD 0.00005 and 0.00006; TOPMed 0.00005.
gnomAD v4.1: 34 of 1,614,018 alleles (0.0021%); highest among the groups gnomAD compares: African/African-American, 0.0027%; no homozygotes.

Submissions (5):

PreventionGenetics, part of Exact Sciences
Classification: Uncertain significance for VPS13B-related condition. Last evaluated: 2026-06-29. Review status: criteria provided, single submitter. Criteria: ACMG Guidelines, 2015. Collection method: clinical testing. Allele origin: germline.
Comment: The VPS13B c.2617A>G variant is predicted to result in the amino acid substitution p.Met873Val. To our knowledge, this variant has not been reported in the literature. This variant is reported in 0.0026% of alleles in individuals of European (non-Finnish) descent in gnomAD. At this time, the clinical significance of this variant is uncertain due to the absence of conclusive functional and genetic evidence.

Labcorp Genetics (formerly Invitae), Labcorp
Classification: Uncertain significance for Cohen syndrome. Last evaluated: 2024-12-09. Review status: criteria provided, single submitter. Criteria: Invitae Variant Classification Sherloc (09022015). Collection method: clinical testing. Allele origin: germline.
Comment: This sequence change replaces methionine, which is neutral and non-polar, with valine, which is neutral and non-polar, at codon 873 of the VPS13B protein (p.Met873Val). This variant is present in population databases (rs745651556, gnomAD 0.002%). This variant has not been reported in the literature in individuals affected with VPS13B-related conditions. ClinVar contains an entry for this variant (Variation ID: 585716). Invitae Evidence Modeling of protein sequence and biophysical properties (such as structural, functional, and spatial information, amino acid conservation, physicochemical variation, residue mobility, and thermodynamic stability) indicates that this missense variant is not expected to disrupt VPS13B protein function with a negative predictive value of 80%. In summary, the available evidence is currently insufficient to determine the role of this variant in disease. Therefore, it has been classified as a Variant of Uncertain Significance.

Ambry Genetics
Classification: Likely benign for Inborn genetic diseases. Last evaluated: 2024-03-07. Review status: criteria provided, single submitter. Criteria: Ambry Variant Classification Scheme 2023. Collection method: clinical testing. Allele origin: germline.

Athena Diagnostics
Classification: Uncertain significance. Last evaluated: 2018-03-27. Review status: criteria provided, single submitter. Criteria: Athena Diagnostics Criteria. Collection method: clinical testing. Allele origin: germline.

Natera, Inc.
Classification: Uncertain significance for Cohen syndrome. Last evaluated: 2019-11-11. Review status: no assertion criteria provided. Collection method: clinical testing. Allele origin: germline. Not counted in ClinVar's aggregate classification.